The following is an entry in ClinVar:

ClinVar aggregate classification (germline): Uncertain significance. Review status: criteria provided, multiple submitters, no conflicts (2 of 4 stars). 2 submissions from 2 submitters: Uncertain significance (2). Last evaluated 2025-08-19.

Conditions:
Inborn genetic diseases. Identifiers: MedGen C0950123, MeSH D030342.
Baller-Gerold syndrome (BGS). Also called: CRANIOSYNOSTOSIS WITH RADIAL DEFECTS. Identifiers: Orphanet 1225, MedGen C0265308, MONDO:0009039, OMIM 218600.

Submissions (2):

Ambry Genetics
Classification: Uncertain significance for Inborn genetic diseases. Last evaluated: 2025-08-19. Review status: criteria provided, single submitter. Criteria: Ambry Variant Classification Scheme 2023. Collection method: clinical testing. Allele origin: germline.
Comment: The p.S225W variant (also known as c.674C>G), located in coding exon 5 of the RECQL4 gene, results from a C to G substitution at nucleotide position 674. The serine at codon 225 is replaced by tryptophan, an amino acid with highly dissimilar properties. This amino acid position is conserved. In addition, this alteration is predicted to be tolerated by in silico analysis. Based on the available evidence, the clinical significance of this variant remains unclear.

Labcorp Genetics (formerly Invitae), Labcorp
Classification: Uncertain significance for Baller-Gerold syndrome. Last evaluated: 2023-10-03. Review status: criteria provided, single submitter. Criteria: Invitae Variant Classification Sherloc (09022015). Collection method: clinical testing. Allele origin: germline.
Comment: This sequence change replaces serine, which is neutral and polar, with tryptophan, which is neutral and slightly polar, at codon 225 of the RECQL4 protein (p.Ser225Trp). This variant is not present in population databases (gnomAD no frequency). This variant has not been reported in the literature in individuals affected with RECQL4-related conditions. ClinVar contains an entry for this variant (Variation ID: 847135). Advanced modeling of protein sequence and biophysical properties (such as structural, functional, and spatial information, amino acid conservation, physicochemical variation, residue mobility, and thermodynamic stability) performed at Invitae indicates that this missense variant is not expected to disrupt RECQL4 protein function. In summary, the available evidence is currently insufficient to determine the role of this variant in disease. Therefore, it has been classified as a Variant of Uncertain Significance.

NM_004260.4(RECQL4):c.674C>G (p.Ser225Trp)

Gene: RECQL4 (RecQ like helicase 4; minus strand). Cytogenetic location: 8q24.3.
Variant type: single nucleotide variant.
Coding change: c.674C>G on transcript NM_004260.4 (MANE Select); coding-DNA position 674, C replaced by G.
Protein change: p.Ser225Trp; replaces serine 225 with tryptophan.
Molecular consequence: missense variant.
Genome position (GRCh38, 1-based): chr8:144,516,445, G>C on the plus strand (C>G on the coding strand, the complement: RECQL4 is on the minus strand). VCF-style: chr8-144516445-G-C. GRCh37 (hg19) VCF-style: chr8-145741829-G-C.
Other names: short protein forms S225W.
Identifiers: ClinVar variation 847135 (VCV000847135.7), dbSNP rs753959069, ClinGen allele CA372689776.